The following is an entry in ClinVar:

ClinVar aggregate classification (germline): Conflicting classifications of pathogenicity. Review status: criteria provided, conflicting classifications (1 of 4 stars). 5 submissions from 5 submitters: Uncertain significance (3); Benign (1); Likely benign (1). Last evaluated 2025-11-08.

Conditions:
Schinzel-Giedion syndrome (SGS). Identifiers: Orphanet 798, MedGen C0265227, MONDO:0010010, OMIM 269150.

Allele frequency attached by ClinVar (database versions not stated): gnomAD exomes 0.00001 and 0.00006; ExAC 0.00002; gnomAD 0.00003 and 0.00004; TOPMed 0.00003.
gnomAD v4.1: 93 of 1,613,936 alleles (0.0058%); highest among the groups gnomAD compares: Non-Finnish European, 0.0075%; no homozygotes.

Submissions (5):

Labcorp Genetics (formerly Invitae), Labcorp
Classification: Benign. Last evaluated: 2025-11-08. Review status: criteria provided, single submitter. Criteria: Invitae Variant Classification Sherloc (09022015). Collection method: clinical testing. Allele origin: germline.

ARUP Laboratories, Molecular Genetics and Genomics, ARUP Laboratories
Classification: Uncertain significance. Last evaluated: 2024-11-12. Review status: criteria provided, single submitter. Criteria: ARUP Molecular Germline Variant Investigation Process 2024. Collection method: clinical testing. Allele origin: germline.

CeGaT Center for Human Genetics Tuebingen
Classification: Likely benign. Last evaluated: 2024-10-01. Review status: criteria provided, single submitter. Criteria: CeGaT Center For Human Genetics Tuebingen Variant Classification Criteria Version 2. Collection method: clinical testing. Allele origin: germline. Affected: yes. Observed: 1 variant allele.
Comment: SETBP1: BP4

Blueprint Genetics
Classification: Uncertain significance. Last evaluated: 2023-02-28. Review status: criteria provided, single submitter. Criteria: ACMG Guidelines, 2015. Collection method: clinical testing. Allele origin: germline.

Genetic Services Laboratory, University of Chicago
Classification: Uncertain significance for Schinzel-Giedion midface retraction syndrome. Last evaluated: 2014-05-14. Review status: criteria provided, single submitter. Criteria: ACMG Guidelines, 2015. Collection method: clinical testing. Allele origin: germline. Inheritance: Autosomal dominant inheritance.

NM_015559.3(SETBP1):c.1223C>G (p.Ala408Gly)

Gene: SETBP1 (SET binding protein 1; plus strand). Cytogenetic location: 18q12.3.
Variant type: single nucleotide variant.
Coding change: c.1223C>G on transcript NM_015559.3 (MANE Select); coding-DNA position 1223, C replaced by G.
Protein change: p.Ala408Gly; replaces alanine 408 with glycine.
Molecular consequence: missense variant.
Genome position (GRCh38, 1-based): chr18:44,950,563, C>G. VCF-style: chr18-44950563-C-G. GRCh37 (hg19) VCF-style: chr18-42530528-C-G.
Other names: c.1223C>G, p.Ala408Gly (LRG_1150t1); short protein forms A408G.
Identifiers: ClinVar variation 159868 (VCV000159868.27), dbSNP rs587784380, ClinGen allele CA173384.